The following is an entry in ClinVar:

NM_000153.4(GALC):c.169G>A (p.Gly57Ser)

Genes: GALC (galactosylceramidase; minus strand), LOC130056217 (ATAC-STARR-seq lymphoblastoid silent region 5988; plus strand). Cytogenetic location: 14q31.3.
Variant type: single nucleotide variant.
Coding change: c.169G>A on transcript NM_000153.4 (MANE Select); coding-DNA position 169, G replaced by A.
Protein change: p.Gly57Ser; replaces glycine 57 with serine.
Molecular consequence: missense variant. On other transcripts: intron variant (1).
Genome position (GRCh38, 1-based): chr14:87,992,996, C>T on the plus strand (G>A on the coding strand, the complement: GALC is on the minus strand). VCF-style: chr14-87992996-C-T. GRCh37 (hg19) VCF-style: chr14-88459340-C-T.
Other names: c.169G>A, p.Gly57Ser (NM_001201401.2); c.117+387G>A (NM_001201402.2); short protein forms G57S.
Identifiers: ClinVar variation 193054 (VCV000193054.23), dbSNP rs11623, ClinGen allele CA274898.

ClinVar aggregate classification (germline): Pathogenic. Review status: criteria provided, multiple submitters, no conflicts (2 of 4 stars). 7 submissions from 7 submitters: Pathogenic (6). 1 of the submissions does not count toward it. Last evaluated 2026-10-01.

Conditions:
Galactosylceramide beta-galactosidase deficiency. Also called: GALACTOCEREBROSIDASE DEFICIENCY; GALC DEFICIENCY; GLOBOID CELL LEUKOENCEPHALOPATHY; Leukodystrophy, Globoid Cell; Krabbe Disease. Identifiers: Orphanet 487, MedGen C0023521, MONDO:0009499, OMIM 245200.

Allele frequency attached by ClinVar (database versions not stated): TOPMed below 0.00001; gnomAD 0.00001.
gnomAD v4.1: 2 of 1,534,990 alleles (0.00013%); highest among the groups gnomAD compares: Non-Finnish European, 0.00017%; no homozygotes.

Submissions (7):

GeneDx
Classification: Pathogenic. Last evaluated: 2026-10-01. Review status: criteria provided, single submitter. Criteria: GeneDx Variant Classification Process June 2021. Collection method: clinical testing. Allele origin: germline.
Comment: Published functional studies demonstrate a damaging effect: cells expressing the G57S variant have undetectable GALC activity in comparison to wild type (PMID: 17579360); In silico analysis supports that this missense variant has a deleterious effect on protein structure/function; Not observed at significant frequency in large population cohorts (gnomAD); Also known as Gly41Ser (G41S); This variant is associated with the following publications: (PMID: 27638593, 27126738, 17579360, 21070211, 20301416)

Natera, Inc.
Classification: Pathogenic for Galactosylceramide beta-galactosidase deficiency. Last evaluated: 2025-04-25. Review status: criteria provided, single submitter. Criteria: Natera Variant Classification Schema (03/2026). Collection method: clinical testing. Allele origin: germline.
Comment: The c.169G>A variant in GALC is a missense variant predicted to cause substitution of glycine to serine at amino acid 57. This variant is rare in the general population with a frequency below the threshold expected for the associated phenotype(s). This variant has been observed in one or more individuals affected with the associated recessive disease, as either homozygous or compound heterozygous with a second variant (PMID: 17579360, 22520351). Computational prediction algorithms indicate this variant is likely to affect gene or protein function. Given the available evidence, this variant is classified as Pathogenic.

Labcorp Genetics (formerly Invitae), Labcorp
Classification: Pathogenic for Galactosylceramide beta-galactosidase deficiency. Last evaluated: 2023-12-05. Review status: criteria provided, single submitter. Criteria: Invitae Variant Classification Sherloc (09022015). Collection method: clinical testing. Allele origin: germline.
Comment: This sequence change replaces glycine, which is neutral and non-polar, with serine, which is neutral and polar, at codon 57 of the GALC protein (p.Gly57Ser). This variant is not present in population databases (gnomAD no frequency). This missense change has been observed in individuals with Krabbe disease (PMID: 17579360, 21070211). This variant is also known as c.121G>A; p.Gly41Ser. ClinVar contains an entry for this variant (Variation ID: 193054). Advanced modeling of protein sequence and biophysical properties (such as structural, functional, and spatial information, amino acid conservation, physicochemical variation, residue mobility, and thermodynamic stability) performed at Invitae indicates that this missense variant is expected to disrupt GALC protein function with a positive predictive value of 95%. Experimental studies have shown that this missense change affects GALC function (PMID: 27126738). This variant disrupts the p.Gly57 amino acid residue in GALC. Other variant(s) that disrupt this residue have been determined to be pathogenic (Invitae). This suggests that this residue is clinically significant, and that variants that disrupt this residue are likely to be disease-causing. For these reasons, this variant has been classified as Pathogenic.

Revvity Omics, Revvity
Classification: Pathogenic. Last evaluated: 2023-03-31. Review status: criteria provided, single submitter. Criteria: ACMG Guidelines, 2015. Collection method: clinical testing. Allele origin: germline.

Women's Health and Genetics/Laboratory Corporation of America, LabCorp
Classification: Pathogenic for Galactosylceramide beta-galactosidase deficiency. Last evaluated: 2016-03-10. Review status: criteria provided, single submitter. Criteria: LabCorp Variant Classification Summary - May 2015. Collection method: clinical testing. Allele origin: germline.
Comment: Variant summary: The GALC c.169G>A variant affects a conserved nucleotide, resulting in amino acid change from Gly to Ser. 5/5 in-silico tools predict damaging outcome for this variant. This variant has been reported in at least 5 patients with late onset Krabbe disease in both homozygous and compound heterozygous state. This variant was not found in 16310 control chromosomes. In addition, one clinical laboratory classified this variant as pathogenic. Taken together, this variant was classified as pathogenic.

Eurofins Ntd Llc (ga)
Classification: Pathogenic. Last evaluated: 2014-10-16. Review status: criteria provided, single submitter. Criteria: EGL Classification Definitions 2015. Collection method: clinical testing. Allele origin: germline. Observed: 1 variant allele, 1 heterozygote.

GeneReviews
No classification provided. Condition: Galactosylceramide beta-galactosidase deficiency. Review status: no classification provided. Collection method: literature only. Allele origin: germline. Not counted in ClinVar's aggregate classification.

Literature cited by the submitters: PubMed 17579360 (cited by 5 submitters); PubMed 22520351 (cited by Natera, Inc.); PubMed 21070211 (cited by Labcorp Genetics (formerly Invitae), Labcorp and Eurofins Ntd Llc (ga)); PubMed 27126738 (cited by Labcorp Genetics (formerly Invitae), Labcorp); PubMed 25260228 (cited by Women's Health and Genetics/Laboratory Corporation of America, LabCorp).